The following is an entry in ClinVar:

NM_001164664.2(MAST4):c.3036C>G (p.Ala1012=)

Gene: MAST4 (microtubule associated serine/threonine kinase family member 4; plus strand). Cytogenetic location: 5q12.3.
Variant type: single nucleotide variant.
Coding change: c.3036C>G on transcript NM_001164664.2 (MANE Select); coding-DNA position 3036, C replaced by G.
Protein change: p.Ala1012=; no amino-acid change (alanine 1012 retained).
Molecular consequence: synonymous variant.
Genome position (GRCh38, 1-based): chr5:67,145,321, C>G. VCF-style: chr5-67145321-C-G. GRCh37 (hg19) VCF-style: chr5-66441149-C-G.
Other names: c.2418C>G, p.Ala806= (NM_001290226.2); c.2454C>G, p.Ala818= (NM_001290227.2, NM_001297651.2, NM_001393527.1); c.3045C>G, p.Ala1015= (NM_001393524.1); c.3036C>G, p.Ala1012= (NM_001393525.1); c.2469C>G, p.Ala823= (NM_001393526.1, NM_015183.3); c.2433C>G, p.Ala811= (NM_001393528.1).
Identifiers: ClinVar variation 2655497 (VCV002655497.24), dbSNP rs78130987, ClinGen allele CA3288362.

ClinVar aggregate classification (germline): Likely benign (1 of 4 stars; one submission).

Allele frequency attached by ClinVar (database versions not stated): ESP Exome Variant Server 0.00103; TOPMed 0.00135; ExAC 0.00155; gnomAD 0.00157; 1000 Genomes Project 0.00200; 1000 Genomes Project 30x 0.00203.
gnomAD v4.1: 2,103 of 1,613,632 alleles (0.13%); highest among the groups gnomAD compares: Middle Eastern, 0.38%; 8 homozygotes.

Submission:

CeGaT Center for Human Genetics Tuebingen
Classification: Likely benign. Last evaluated: 2026-02-01. Review status: criteria provided, single submitter. Criteria: CeGaT Center For Human Genetics Tuebingen Variant Classification Criteria Version 2. Collection method: clinical testing. Allele origin: germline. Affected: yes. Observed: 2 variant alleles.
Comment: MAST4: BP4, BP7